The following is an entry in ClinVar:

NM_000642.3(AGL):c.2802A>C (p.Ala934=)

Gene: AGL (amylo-alpha-1,6-glucosidase and 4-alpha-glucanotransferase; plus strand). Cytogenetic location: 1p21.2.
Variant type: single nucleotide variant.
Coding change: c.2802A>C on transcript NM_000642.3 (MANE Select); coding-DNA position 2802, A replaced by C.
Protein change: p.Ala934=; no amino-acid change (alanine 934 retained).
Molecular consequence: synonymous variant.
Genome position (GRCh38, 1-based): chr1:99,888,098, A>C. VCF-style: chr1-99888098-A-C. GRCh37 (hg19) VCF-style: chr1-100353654-A-C.
Other names: c.2802A>C, p.Ala934= (NM_000028.3, NM_000643.3, NM_000644.3 and 2 more transcripts); c.2754A>C, p.Ala918= (NM_000646.3); c.2601A>C, p.Ala867= (NM_001425327.1); c.2598A>C, p.Ala866= (NM_001425328.1); c.2463A>C, p.Ala821= (NM_001425329.1); c.2424A>C, p.Ala808= (NM_001425332.1).
Identifiers: ClinVar variation 256729 (VCV000256729.62), dbSNP rs34230588, ClinGen allele CA966891.

ClinVar aggregate classification (germline): Benign/Likely benign. Review status: criteria provided, multiple submitters, no conflicts (2 of 4 stars). 9 submissions from 9 submitters: Benign (6); Likely benign (1). 2 of the submissions do not count toward it. Last evaluated 2026-02-03.

Conditions:
Glycogen storage disease type III (GSD3). Also called: FORBES DISEASE; Cori disease. Identifiers: Orphanet 366, MedGen C0017922, MONDO:0009291, OMIM 232400.

Allele frequency attached by ClinVar (database versions not stated): gnomAD exomes 0.00182; ExAC 0.00224; 1000 Genomes Project 0.00539; 1000 Genomes Project 30x 0.00640; gnomAD 0.00714 and 0.00775; ESP Exome Variant Server 0.00746; TOPMed 0.00818.
gnomAD v4.1: 2,079 of 1,613,008 alleles (0.13%); highest among the groups gnomAD compares: African/African-American, 2.5%; 18 homozygotes.

Submissions (9):

Labcorp Genetics (formerly Invitae), Labcorp
Classification: Benign for Glycogen storage disease type III. Last evaluated: 2026-02-03. Review status: criteria provided, single submitter. Criteria: Invitae Variant Classification Sherloc (09022015). Collection method: clinical testing. Allele origin: germline.

ARUP Laboratories, Molecular Genetics and Genomics, ARUP Laboratories
Classification: Benign. Last evaluated: 2024-10-25. Review status: criteria provided, single submitter. Criteria: ARUP Molecular Germline Variant Investigation Process 2024. Collection method: clinical testing. Allele origin: germline.

Blueprint Genetics
Classification: Likely benign. Last evaluated: 2024-10-17. Review status: criteria provided, single submitter. Criteria: ACMG Guidelines, 2015. Collection method: clinical testing. Allele origin: germline.

Genome-Nilou Lab
Classification: Benign for Glycogen storage disease type III. Last evaluated: 2021-07-15. Review status: criteria provided, single submitter. Criteria: ACMG Guidelines, 2015. Collection method: clinical testing. Allele origin: germline. Affected: no.

Women's Health and Genetics/Laboratory Corporation of America, LabCorp
Classification: Benign. Last evaluated: 2018-03-29. Review status: criteria provided, single submitter. Criteria: LabCorp Variant Classification Summary - May 2015. Collection method: clinical testing. Allele origin: germline.
Comment: Variant summary: AGL c.2802A>C alters a non-conserved nucleotide resulting in a synonymous change. 5/5 computational tools predict no significant impact on normal splicing. However, these predictions have yet to be confirmed by functional studies. The variant allele was found at a frequency of 0.0023 in 276798 control chromosomes, predominantly within the African subpopulation at a frequency of 0.025, including 3 homozygotes (gnomAD). The observed variant frequency within African control individuals in the gnomAD database is approximately 11-folds higher than the estimated maximal expected allele frequency for a pathogenic variant in AGL causing Glycogen Storage Disease Type III phenotype (0.0023), strongly suggesting that the variant is a benign polymorphism found primarily in populations of African origin. To our knowledge, no occurrence of c.2802A>C in individuals affected with Glycogen Storage Disease Type III and no experimental evidence demonstrating its impact on protein function have been reported. A ClinVar submission from a clinical diagnostic laboratory (evaluation after 2014) cites the variant as "benign." Based on the evidence outlined above, the variant was classified as benign.

GeneDx
Classification: Benign. Last evaluated: 2017-04-04. Review status: criteria provided, single submitter. Criteria: GeneDx Variant Classification (06012015). Collection method: clinical testing. Allele origin: germline. Affected: yes.
Comment: This variant is considered likely benign or benign based on one or more of the following criteria: it is a conservative change, it occurs at a poorly conserved position in the protein, it is predicted to be benign by multiple in silico algorithms, and/or has population frequency not consistent with disease.

PreventionGenetics, part of Exact Sciences
Classification: Benign. Review status: criteria provided, single submitter. Criteria: ACMG Guidelines, 2015. Collection method: clinical testing. Allele origin: germline.

Natera, Inc.
Classification: Benign for Glycogen storage disease type III. Last evaluated: 2020-09-16. Review status: no assertion criteria provided. Collection method: clinical testing. Allele origin: germline. Not counted in ClinVar's aggregate classification.

Mayo Clinic Laboratories, Mayo Clinic
Classification: Likely benign. Last evaluated: 2017-10-16. Review status: no assertion criteria provided. Collection method: clinical testing. Allele origin: unknown. Not counted in ClinVar's aggregate classification.